The following is an entry in ClinVar:

NM_144668.6(CFAP251):c.1930_1931del (p.Arg644fs)

Gene: CFAP251 (cilia and flagella associated protein 251; plus strand). Cytogenetic location: 12q24.31.
Variant type: Deletion.
Coding change: c.1930_1931del on transcript NM_144668.6 (MANE Select); coding-DNA positions 1930 to 1931, 2 bases deleted (AG; older notation c.1930_1931delAG).
Protein change: p.Arg644fs; shifts the reading frame from arginine 644.
Molecular consequence: frameshift variant.
Genome position (GRCh38, 1-based): chr12:121,958,471-121,958,472, AG deleted. VCF-style (leftmost placement, unchanged base first): chr12-121958470-CAG-C. GRCh37 (hg19) VCF-style: chr12-122396376-CAG-C.
Other names: c.1930_1931del, p.Arg644fs (NM_001178003.2); short protein forms R644fs.
Identifiers: ClinVar variation 3382462 (VCV003382462.2).
Genomic context (GRCh38, chr12:121,958,470, plus strand): 5'-CGGGAGCATCTGTGGGATGATCAAAGTGTGGAATTATGAAAACAAACAATATCTTTTCAG[CAG>C]GGTTTTTGAGAAGGGGCTTGGAGTCCAGAGTCTGACCTACAACCCCGAAGGTATTTTCAT-3'

ClinVar aggregate classification (germline): Pathogenic (1 of 4 stars; one submission).

Conditions:
Spermatogenic failure 33. Identifiers: MedGen C4748395, MONDO:0029147, OMIM 618152.

Submission:

Juno Genomics, Hangzhou Juno Genomics, Inc
Classification: Pathogenic for Spermatogenic failure 33. Review status: criteria provided, single submitter. Criteria: ACMG Guidelines, 2015. Collection method: clinical testing. Allele origin: germline. Affected: yes.
Comment: Absent from controls (or at extremely low frequency if recessive) in Genome Aggregation Database, Exome Sequencing Project, 1000 Genomes Project, or Exome Aggregation Consortium.;Null variant in a gene where loss of function (LOF) is a known mechanism of disease.;For recessive disorders, detected in trans with a pathogenic variant.;Patient's phenotype or family history is highly specific for a disease with a single genetic etiology.